The following is an entry in ClinVar:

NM_003018.3(SFTPC):c.-92C>G

Gene: SFTPC (surfactant protein C; plus strand). Cytogenetic location: 8p21.3.
Variant type: single nucleotide variant.
Coding change: c.-92C>G on transcript NM_003018.3; 92 bases upstream of the start codon, C replaced by G.
Molecular consequence: intron variant (on NM_001385655.1).
Genome position (GRCh38, 1-based): chr8:22,161,737, C>G. VCF-style: chr8-22161737-C-G. GRCh37 (hg19) VCF-style: chr8-22019250-C-G.
Other names: c.-53-39C>G (NM_001385655.1, NM_001385654.1, NM_001385656.1 and 4 more transcripts).
Identifiers: ClinVar variation 362545 (VCV000362545.7), dbSNP rs79647630, ClinGen allele CA4663823.
Genomic context (GRCh38, chr8:22,161,737, plus strand): 5'-AGGGCCAGGAACAAACAGGCTTCAAAGCCAAGGGCTTGGCTGGCACACAGGGGGCTTGGT[C>G]CTTCACCTCTGTCCCCTCTCCCTACGGACACATATAAGACCCTGGTCACACCTGGGAGAG-3'

ClinVar aggregate classification (germline): Benign. Review status: criteria provided, single submitter (1 of 4 stars). 2 submissions from 1 submitter: Benign (2). Last evaluated 2018-01-13.

Conditions:
Surfactant metabolism dysfunction, pulmonary, 2 (SMDP2). Also called: INTERSTITIAL LUNG DISEASE DUE TO SURFACTANT PROTEIN C DEFICIENCY; PULMONARY ALVEOLAR PROTEINOSIS, CONGENITAL, 2; DESQUAMATIVE INTERSTITIAL PNEUMONITIS DUE TO SURFACTANT PROTEIN C DEFICIENCY. Identifiers: Orphanet 440392, MedGen C1970470, MONDO:0024465, OMIM 610913.
Interstitial lung disease 2 (ILD2). Also called: Familial idiopathic pulmonary fibrosis; FIBROSING ALVEOLITIS, CRYPTOGENIC; FIBROCYSTIC PULMONARY DYSPLASIA. Identifiers: Orphanet 2032, Orphanet 79126, MedGen C5561926, MONDO:0800497, OMIM 178500, MONDO:0800029.

Allele frequency attached by ClinVar (database versions not stated): 1000 Genomes Project 30x 0.00468; 1000 Genomes Project 0.00459; gnomAD 0.00663 and 0.00682; ExAC 0.00679; gnomAD exomes 0.00698; TOPMed 0.00763.
gnomAD v4.1: 15,876 of 1,612,552 alleles (0.98%); highest among the groups gnomAD compares: Non-Finnish European, 1.2%; 122 homozygotes.

Submissions (2):

Illumina Laboratory Services, Illumina
Classification: Benign for Surfactant metabolism dysfunction, pulmonary, 2. Last evaluated: 2018-01-13. Review status: criteria provided, single submitter. Criteria: ICSL Variant Classification Criteria 13 December 2019. Collection method: clinical testing. Allele origin: germline.
Comment: This variant was observed in the ICSL laboratory as part of a predisposition screen in an ostensibly healthy population. It had not been previously curated by ICSL or reported in the Human Gene Mutation Database (HGMD: prior to June 1st, 2018), and was therefore a candidate for classification through an automated scoring system. Utilizing variant allele frequency, disease prevalence and penetrance estimates, and inheritance mode, an automated score was calculated to assess if this variant is too frequent to cause the disease. Based on the score and internal cut-off values, a variant classified as benign is not then subjected to further curation. The score for this variant resulted in a classification of benign for this disease.

Illumina Laboratory Services, Illumina
Classification: Benign for Idiopathic fibrosing alveolitis, chronic form. Last evaluated: 2018-01-13. Review status: criteria provided, single submitter. Criteria: ICSL Variant Classification Criteria 13 December 2019. Collection method: clinical testing. Allele origin: germline.
Comment: the same text as in the submission from Illumina Laboratory Services, Illumina above.